The following is an entry in ClinVar:

ClinVar aggregate classification (germline): Uncertain significance (1 of 4 stars; one submission).

gnomAD v4.1: 1 of 1,613,464 alleles (0.000062%); highest among the groups gnomAD compares: Non-Finnish European, 0.000085%; no homozygotes.

Submission:

Ambry Genetics
Classification: Uncertain significance. Last evaluated: 2026-03-03. Review status: criteria provided, single submitter. Criteria: Ambry Variant Classification Scheme 2023. Collection method: clinical testing. Allele origin: germline.
Comment: The p.M232K variant (also known as c.695T>A), located in coding exon 7 of the SRP72 gene, results from a T to A substitution at nucleotide position 695. The methionine at codon 232 is replaced by lysine, an amino acid with similar properties. This amino acid position is conserved. In addition, this alteration is predicted to be deleterious by in silico analysis. Based on the available evidence, the clinical significance of this variant remains unclear.

NM_006947.4(SRP72):c.695T>A (p.Met232Lys)

Gene: SRP72 (signal recognition particle 72; plus strand). Cytogenetic location: 4q12.
Variant type: single nucleotide variant.
Coding change: c.695T>A on transcript NM_006947.4 (MANE Select); coding-DNA position 695, T replaced by A.
Protein change: p.Met232Lys; replaces methionine 232 with lysine.
Molecular consequence: missense variant. On other transcripts: non-coding transcript variant (1), intron variant (1).
Genome position (GRCh38, 1-based): chr4:56,478,431, T>A. VCF-style: chr4-56478431-T-A. GRCh37 (hg19) VCF-style: chr4-57344597-T-A.
Other names: c.642+1729T>A (NM_001267722.2); short protein forms M232K.
Identifiers: ClinVar variation 4825781 (VCV004825781.1).